The following is an entry in ClinVar:

ClinVar aggregate classification (germline): Uncertain significance (1 of 4 stars; one submission).

Allele frequency attached by ClinVar (database versions not stated): gnomAD 0.00001; TOPMed 0.00001; ExAC 0.00003; gnomAD exomes 0.00003 and 0.00006.
gnomAD v4.1: 84 of 1,598,788 alleles (0.0053%); highest among the groups gnomAD compares: Non-Finnish European, 0.0068%; 1 homozygote.

Submission:

Labcorp Genetics (formerly Invitae), Labcorp
Classification: Uncertain significance. Last evaluated: 2024-02-22. Review status: criteria provided, single submitter. Criteria: Invitae Variant Classification Sherloc (09022015). Collection method: clinical testing. Allele origin: germline.
Comment: This sequence change falls in intron 5 of the RPSA gene. It does not directly change the encoded amino acid sequence of the RPSA protein. It affects a nucleotide within the consensus splice site. This variant is present in population databases (rs755496346, gnomAD 0.008%). This variant has not been reported in the literature in individuals affected with RPSA-related conditions. ClinVar contains an entry for this variant (Variation ID: 1522159). Variants that disrupt the consensus splice site are a relatively common cause of aberrant splicing (PMID: 17576681, 9536098). Algorithms developed to predict the effect of sequence changes on RNA splicing suggest that this variant may disrupt the consensus splice site. In summary, the available evidence is currently insufficient to determine the role of this variant in disease. Therefore, it has been classified as a Variant of Uncertain Significance.

Literature cited by the submitters: PubMed 17576681; PubMed 9536098.

NM_002295.6(RPSA):c.628-3C>G

Gene: RPSA (ribosomal protein SA; plus strand). Cytogenetic location: 3p22.1.
Variant type: single nucleotide variant.
Coding change: c.628-3C>G on transcript NM_002295.6 (MANE Select); 3 bases into the intron before coding-DNA position 628, C replaced by G.
Molecular consequence: intron variant.
Genome position (GRCh38, 1-based): chr3:39,411,893, C>G. VCF-style: chr3-39411893-C-G. GRCh37 (hg19) VCF-style: chr3-39453384-C-G.
Other names: c.643-3C>G (NM_001304288.2).
Identifiers: ClinVar variation 1522159 (VCV001522159.6), dbSNP rs755496346, ClinGen allele CA2327898.
Genomic context (GRCh38, chr3:39,411,893, plus strand): 5'-GCTTCTAGGAAGCAAAACTTGTCAGTCCCTGTAAGTCTTTCCTCTTTTTTTTTTGTAACC[C>G]AGATTGAAAAAGAAGAGCAGGCTGCTGCTGAGAAGGCAGTGACCAAGGAGGAATTTCAGG-3'